The following is an entry in ClinVar:

ClinVar aggregate classification (germline): Uncertain significance (1 of 4 stars; one submission).

Submission:

CeGaT Center for Human Genetics Tuebingen
Classification: Uncertain significance. Last evaluated: 2025-03-01. Review status: criteria provided, single submitter. Criteria: CeGaT Center For Human Genetics Tuebingen Variant Classification Criteria Version 2. Collection method: clinical testing. Allele origin: germline. Affected: yes. Observed: 1 variant allele.
Comment: RHBDF2: PM2, BP4

NM_001005498.4(RHBDF2):c.380C>T (p.Ala127Val)

Gene: RHBDF2 (rhomboid 5 homolog 2; minus strand). Cytogenetic location: 17q25.1.
Variant type: single nucleotide variant.
Coding change: c.380C>T on transcript NM_001005498.4 (MANE Select); coding-DNA position 380, C replaced by T.
Protein change: p.Ala127Val; replaces alanine 127 with valine.
Molecular consequence: missense variant. On other transcripts: non-coding transcript variant (3).
Genome position (GRCh38, 1-based): chr17:76,479,170, G>A on the plus strand (C>T on the coding strand, the complement: RHBDF2 is on the minus strand). VCF-style: chr17-76479170-G-A. GRCh37 (hg19) VCF-style: chr17-74475252-G-A.
Other names: c.380C>T, p.Ala127Val (NM_001376228.1, NM_001376229.1, NM_001376230.1); c.467C>T, p.Ala156Val (NM_024599.5); short protein forms A127V, A156V.
Identifiers: ClinVar variation 3778425 (VCV003778425.7).